The following is an entry in ClinVar:

NM_003239.5(TGFB3):c.188C>T (p.Thr63Ile)

Gene: TGFB3 (transforming growth factor beta 3; minus strand). Cytogenetic location: 14q24.3.
Variant type: single nucleotide variant.
Coding change: c.188C>T on transcript NM_003239.5 (MANE Select); coding-DNA position 188, C replaced by T.
Protein change: p.Thr63Ile; replaces threonine 63 with isoleucine.
Molecular consequence: missense variant.
Genome position (GRCh38, 1-based): chr14:75,980,706, G>A on the plus strand (C>T on the coding strand, the complement: TGFB3 is on the minus strand). VCF-style: chr14-75980706-G-A. GRCh37 (hg19) VCF-style: chr14-76447049-G-A.
Other names: c.188C>T, p.Thr63Ile (NM_001329938.2, NM_001329939.2); short protein forms T63I.
Identifiers: ClinVar variation 1782044 (VCV001782044.3), dbSNP rs757664433, ClinGen allele CA390471465.

ClinVar aggregate classification (germline): Uncertain significance. Review status: criteria provided, multiple submitters, no conflicts (2 of 4 stars). 2 submissions from 2 submitters: Uncertain significance (2). Last evaluated 2025-02-10.

Conditions:
Rienhoff syndrome. Also called: LOEYS-DIETZ SYNDROME 5. Identifiers: MedGen C3810012, MONDO:0014262, OMIM 615582.
Familial thoracic aortic aneurysm and aortic dissection (TAAD). Also called: Thoracic aortic aneurysms and dissections. Identifiers: Orphanet 91387, MedGen C4707243, MONDO:0019625.

gnomAD v4.1: 1 of 1,614,078 alleles (0.000062%); highest among the groups gnomAD compares: Non-Finnish European, 0.000085%; no homozygotes.

Submissions (2):

Labcorp Genetics (formerly Invitae), Labcorp
Classification: Uncertain significance for Rienhoff syndrome. Last evaluated: 2025-02-10. Review status: criteria provided, single submitter. Criteria: Invitae Variant Classification Sherloc (09022015). Collection method: clinical testing. Allele origin: germline.
Comment: This sequence change replaces threonine, which is neutral and polar, with isoleucine, which is neutral and non-polar, at codon 63 of the TGFB3 protein (p.Thr63Ile). This variant is present in population databases (no rsID available, gnomAD 0.007%). This variant has not been reported in the literature in individuals affected with TGFB3-related conditions. ClinVar contains an entry for this variant (Variation ID: 1782044). Invitae Evidence Modeling of protein sequence and biophysical properties (such as structural, functional, and spatial information, amino acid conservation, physicochemical variation, residue mobility, and thermodynamic stability) indicates that this missense variant is not expected to disrupt TGFB3 protein function with a negative predictive value of 80%. In summary, the available evidence is currently insufficient to determine the role of this variant in disease. Therefore, it has been classified as a Variant of Uncertain Significance.

Ambry Genetics
Classification: Uncertain significance for Familial thoracic aortic aneurysm and aortic dissection. Last evaluated: 2019-08-20. Review status: criteria provided, single submitter. Criteria: Ambry Variant Classification Scheme 2023. Collection method: clinical testing. Allele origin: germline.
Comment: The p.T63I variant (also known as c.188C>T), located in coding exon 1 of the TGFB3 gene, results from a C to T substitution at nucleotide position 188. The threonine at codon 63 is replaced by isoleucine, an amino acid with similar properties. A different variant affecting this codon (p.T63N, c.188C>A) has been detected in an arrhythmogenic right ventricular cardiomyopathy cohort; however, details were limited (Bao J et al. Circ Cardiovasc Genet, 2013 Dec;6:552-6). This amino acid position is not well conserved in available vertebrate species. In addition, this alteration is predicted to be tolerated by in silico analysis. Since supporting evidence is limited at this time, the clinical significance of this alteration remains unclear.

Literature cited by the submitters: PubMed 24125834 (cited by Ambry Genetics).